The following is an entry in ClinVar:

ClinVar aggregate classification (germline): Uncertain significance. Review status: criteria provided, multiple submitters, no conflicts (2 of 4 stars). 2 submissions from 2 submitters: Uncertain significance (2). Last evaluated 2024-10-17.

Conditions:
Neuronopathy, distal hereditary motor, autosomal recessive 5. Also called: Spinal muscular atrophy, distal, autosomal recessive, 5; Young adult-onset distal hereditary motor neuropathy; NEUROPATHY, DISTAL HEREDITARY MOTOR, AUTOSOMAL RECESSIVE 5. Identifiers: Orphanet 314485, Orphanet 443950, MedGen C4749918, MONDO:0013947, OMIM 614881.
Inborn genetic diseases. Identifiers: MedGen C0950123, MeSH D030342.

Allele frequency attached by ClinVar (database versions not stated): TOPMed 0.00003; ExAC 0.00004; gnomAD exomes 0.00005 and 0.00011; gnomAD 0.00001.

Submissions (2):

Labcorp Genetics (formerly Invitae), Labcorp
Classification: Uncertain significance for Neuronopathy, distal hereditary motor, autosomal recessive 5. Last evaluated: 2024-10-17. Review status: criteria provided, single submitter. Criteria: Invitae Variant Classification Sherloc (09022015). Collection method: clinical testing. Allele origin: germline.
Comment: This sequence change replaces phenylalanine, which is neutral and non-polar, with valine, which is neutral and non-polar, at codon 157 of the DNAJB2 protein (p.Phe157Val). This variant is present in population databases (rs755622620, gnomAD 0.08%). This variant has not been reported in the literature in individuals affected with DNAJB2-related conditions. ClinVar contains an entry for this variant (Variation ID: 1038194). Invitae Evidence Modeling of protein sequence and biophysical properties (such as structural, functional, and spatial information, amino acid conservation, physicochemical variation, residue mobility, and thermodynamic stability) indicates that this missense variant is not expected to disrupt DNAJB2 protein function with a negative predictive value of 80%. In summary, the available evidence is currently insufficient to determine the role of this variant in disease. Therefore, it has been classified as a Variant of Uncertain Significance.

Ambry Genetics
Classification: Uncertain significance for Inborn genetic diseases. Last evaluated: 2024-06-16. Review status: criteria provided, single submitter. Criteria: Ambry Variant Classification Scheme 2023. Collection method: clinical testing. Allele origin: germline.

NM_006736.6(DNAJB2):c.469T>G (p.Phe157Val)

Gene: DNAJB2 (DnaJ heat shock protein family (Hsp40) member B2; plus strand). Cytogenetic location: 2q35.
Variant type: single nucleotide variant.
Coding change: c.469T>G on transcript NM_006736.6 (MANE Select); coding-DNA position 469, T replaced by G.
Protein change: p.Phe157Val; replaces phenylalanine 157 with valine.
Molecular consequence: missense variant.
Genome position (GRCh38, 1-based): chr2:219,283,156, T>G. VCF-style: chr2-219283156-T-G. GRCh37 (hg19) VCF-style: chr2-220147878-T-G.
Other names: c.469T>G, p.Phe157Val (NM_001039550.2); c.469T>G (NM_001039550.1); short protein forms F157V.
Identifiers: ClinVar variation 1038194 (VCV001038194.6), dbSNP rs755622620, ClinGen allele CA2123008.